The following is an entry in ClinVar:

NM_018897.3(DNAH7):c.5360A>G (p.Asp1787Gly)

Gene: DNAH7 (dynein axonemal heavy chain 7; minus strand). Cytogenetic location: 2q32.3.
Variant type: single nucleotide variant.
Coding change: c.5360A>G on transcript NM_018897.3 (MANE Select); coding-DNA position 5360, A replaced by G.
Protein change: p.Asp1787Gly; replaces aspartic acid 1787 with glycine.
Molecular consequence: missense variant.
Genome position (GRCh38, 1-based): chr2:195,888,304, T>C on the plus strand (A>G on the coding strand, the complement: DNAH7 is on the minus strand). VCF-style: chr2-195888304-T-C. GRCh37 (hg19) VCF-style: chr2-196753028-T-C.
Other names: short protein forms D1787G.
Identifiers: ClinVar variation 929067 (VCV000929067.5), dbSNP rs374415212, ClinGen allele CA2035435.

ClinVar aggregate classification (germline): Uncertain significance. Review status: criteria provided, multiple submitters, no conflicts (2 of 4 stars). 4 submissions from 4 submitters: Uncertain significance (3). 1 of the submissions does not count toward it. Last evaluated 2025-11-12.

Conditions:
DNAH7-related disorder. Also called: DNAH7-related condition.

Allele frequency attached by ClinVar (database versions not stated): gnomAD exomes 0.00011 and 0.00004; gnomAD 0.00058 and 0.00054; TOPMed 0.00069; ExAC 0.00017; ESP Exome Variant Server 0.00017; 1000 Genomes Project 30x 0.00031; 1000 Genomes Project 0.00040.
gnomAD v4.1: 141 of 1,611,402 alleles (0.0088%); highest among the groups gnomAD compares: African/African-American, 0.17%; no homozygotes.

Submissions (4):

Ambry Genetics
Classification: Uncertain significance. Last evaluated: 2025-11-12. Review status: criteria provided, single submitter. Criteria: Ambry Variant Classification Scheme 2023. Collection method: clinical testing. Allele origin: germline.

Women's Health and Genetics/Laboratory Corporation of America, LabCorp
Classification: Uncertain significance. Last evaluated: 2019-12-02. Review status: criteria provided, single submitter. Criteria: LabCorp Variant Classification Summary - May 2015. Collection method: clinical testing. Allele origin: germline.
Comment: Variant summary: DNAH7 c.5360A>G (p.Asp1787Gly) results in a non-conservative amino acid change located in the Dynein heavy chain, AAA 5 extension domain of the encoded protein sequence. Three of five in-silico tools predict a damaging effect of the variant on protein function. The variant allele was found at a frequency of 0.00011 in 245548 control chromosomes, predominantly at a frequency of 0.0015 within the African or African-American subpopulation in the gnomAD database. The observed variant frequency within African or African-American control individuals in the gnomAD database is approximately 1.3 fold the estimated maximal expected allele frequency for a pathogenic variant in DNAH7 causing DNAH7-Related Disorders phenotype (0.0011), suggesting that the variant is a benign polymorphism found primarily in populations of African or African-American origin. To our knowledge, no occurrence of c.5360A>G in individuals affected with DNAH7-Related Disorders and no experimental evidence demonstrating its impact on protein function have been reported. No clinical diagnostic laboratories have submitted clinical-significance assessments for this variant to ClinVar after 2014. Based on the evidence outlined above, the variant was classified as uncertain significance.

Breakthrough Genomics
Classification: Uncertain significance. Review status: criteria provided, single submitter. Criteria: ACMG Guidelines, 2015. Collection method: not provided. Allele origin: germline. Inheritance: Unknown mechanism. Affected: yes.

PreventionGenetics, part of Exact Sciences
Classification: Likely benign for DNAH7-related condition. Last evaluated: 2022-08-29. Review status: no assertion criteria provided. Collection method: clinical testing. Allele origin: germline. Not counted in ClinVar's aggregate classification.
Comment: This variant is classified as likely benign based on ACMG/AMP sequence variant interpretation guidelines (Richards et al. 2015 PMID: 25741868, with internal and published modifications).